The following is an entry in ClinVar:

ClinVar aggregate classification (germline): Uncertain significance (1 of 4 stars; one submission).

Submission:

Ambry Genetics
Classification: Uncertain significance. Last evaluated: 2025-09-12. Review status: criteria provided, single submitter. Criteria: Ambry Variant Classification Scheme 2023. Collection method: clinical testing. Allele origin: germline.
Comment: The p.A655T variant (also known as c.1963G>A), located in coding exon 11 of the PALLD gene, results from a G to A substitution at nucleotide position 1963. The alanine at codon 655 is replaced by threonine, an amino acid with similar properties. This amino acid position is conserved. In addition, this alteration is predicted to be tolerated by in silico analysis. Based on the available evidence, the clinical significance of this variant remains unclear.

NM_001166108.2(PALLD):c.*149G>A

Genes: CBR4 (carbonyl reductase 4; minus strand), PALLD (palladin, cytoskeletal associated protein; plus strand). Cytogenetic location: 4q32.3.
Variant type: single nucleotide variant.
Coding change: c.*149G>A on transcript NM_001166108.2 (MANE Select); 149 bases downstream of the stop codon, G replaced by A.
Molecular consequence: 3 prime UTR variant. On other transcripts: missense variant (4).
Genome position (GRCh38, 1-based): chr4:168,926,329, G>A. VCF-style: chr4-168926329-G-A. GRCh37 (hg19) VCF-style: chr4-169847480-G-A.
Other names: c.2278G>A, p.Ala760Thr (NM_001166109.2); c.1963G>A, p.Ala655Thr (NM_001166110.2); c.*149G>A (NM_001367567.1, NM_001367570.1, NM_016081.4); c.1354G>A, p.Ala452Thr (NM_001367568.1); c.1303G>A, p.Ala435Thr (NM_001367569.1); short protein forms A435T, A452T, A655T, A760T.
Identifiers: ClinVar variation 4130459 (VCV004130459.1).